The following is an entry in ClinVar:

ClinVar aggregate classification (germline): Uncertain significance (1 of 4 stars; one submission).

Conditions:
Spondyloenchondrodysplasia with immune dysregulation (SPENCDI). Also called: COMBINED IMMUNODEFICIENCY WITH AUTOIMMUNITY AND SPONDYLOMETAPHYSEAL DYSPLASIA; ROIFMAN IMMUNOSKELETAL SYNDROME; SPONDYLOENCHONDRODYSPLASIA WITH OR WITHOUT IMMUNE DYSREGULATION. Identifiers: Orphanet 1855, MedGen C1842763, MONDO:0011939, OMIM 607944.

Allele frequency attached by ClinVar (database versions not stated): gnomAD exomes below 0.00001 and 0.00001; TOPMed below 0.00001; ESP Exome Variant Server 0.00008.
gnomAD v4.1: 10 of 1,614,120 alleles (0.00062%); highest among the groups gnomAD compares: Middle Eastern, 0.017%; no homozygotes.

Submission:

Labcorp Genetics (formerly Invitae), Labcorp
Classification: Uncertain significance for Spondyloenchondrodysplasia with immune dysregulation. Last evaluated: 2021-09-10. Review status: criteria provided, single submitter. Criteria: Invitae Variant Classification Sherloc (09022015). Collection method: clinical testing. Allele origin: germline.
Comment: This sequence change replaces arginine with glutamine at codon 322 of the ACP5 protein (p.Arg322Gln). The arginine residue is highly conserved and there is a small physicochemical difference between arginine and glutamine. This variant is not present in population databases (ExAC no frequency). This variant has not been reported in the literature in individuals affected with ACP5-related conditions. Algorithms developed to predict the effect of missense changes on protein structure and function output the following: SIFT: "Not Available"; PolyPhen-2: "Benign"; Align-GVGD: "Not Available". The glutamine amino acid residue is found in multiple mammalian species, which suggests that this missense change does not adversely affect protein function. In summary, the available evidence is currently insufficient to determine the role of this variant in disease. Therefore, it has been classified as a Variant of Uncertain Significance.

NM_001611.5(ACP5):c.965G>A (p.Arg322Gln)

Gene: ACP5 (acid phosphatase 5, tartrate resistant; minus strand). Cytogenetic location: 19p13.2.
Variant type: single nucleotide variant.
Coding change: c.965G>A on transcript NM_001611.5 (MANE Select); coding-DNA position 965, G replaced by A.
Protein change: p.Arg322Gln; replaces arginine 322 with glutamine.
Molecular consequence: missense variant.
Genome position (GRCh38, 1-based): chr19:11,575,023, C>T on the plus strand (G>A on the coding strand, the complement: ACP5 is on the minus strand). VCF-style: chr19-11575023-C-T. GRCh37 (hg19) VCF-style: chr19-11685838-C-T.
Other names: c.965G>A, p.Arg322Gln (NM_001111034.3, NM_001111035.3, NM_001111036.3 and 1 more transcripts); short protein forms R322Q.
Identifiers: ClinVar variation 1467493 (VCV001467493.3), dbSNP rs149133430, ClinGen allele CA305358449.